The following is an entry in ClinVar:

NM_012470.4(TNPO3):c.525C>G (p.Phe175Leu)

Gene: TNPO3 (transportin 3; minus strand). Cytogenetic location: 7q32.1.
Variant type: single nucleotide variant.
Coding change: c.525C>G on transcript NM_012470.4 (MANE Select); coding-DNA position 525, C replaced by G.
Protein change: p.Phe175Leu; replaces phenylalanine 175 with leucine.
Molecular consequence: missense variant. On other transcripts: non-coding transcript variant (18).
Genome position (GRCh38, 1-based): chr7:129,015,006, G>C on the plus strand (C>G on the coding strand, the complement: TNPO3 is on the minus strand). VCF-style: chr7-129015006-G-C. GRCh37 (hg19) VCF-style: chr7-128655060-G-C.
Other names: c.525C>G (NM_012470.3); c.525C>G, p.Phe175Leu (NM_001191028.3, NM_001382216.1, NM_001382218.1 and 5 more transcripts); c.606C>G, p.Phe202Leu (NM_001382217.1); short protein forms F175L, F202L.
Identifiers: ClinVar variation 1468240 (VCV001468240.12), dbSNP rs1249604129, ClinGen allele CA369246210.

ClinVar aggregate classification (germline): Uncertain significance. Review status: criteria provided, multiple submitters, no conflicts (2 of 4 stars). 4 submissions from 4 submitters: Uncertain significance (4). Last evaluated 2026-02-03.

Conditions:
Inborn genetic diseases. Identifiers: MedGen C0950123, MeSH D030342.
Autosomal dominant limb-girdle muscular dystrophy type 1F (LGMDD2). Also called: Limb-girdle muscular dystrophy, type 1F; MUSCULAR DYSTROPHY, LIMB-GIRDLE, AUTOSOMAL DOMINANT 2. Identifiers: Orphanet 55595, MedGen C1842062, MONDO:0012034, OMIM 608423.

Allele frequency attached by ClinVar (database versions not stated): gnomAD exomes below 0.00001 and 0.00001; gnomAD 0.00001; TOPMed 0.00002.
gnomAD v4.1: 7 of 1,610,566 alleles (0.00043%); highest among the groups gnomAD compares: African/African-American, 0.0067%; no homozygotes.

Submissions (4):

Dasa
Classification: Uncertain significance. Last evaluated: 2026-02-03. Review status: criteria provided, single submitter. Criteria: DASA Assertion Criteria. Collection method: clinical testing. Allele origin: germline.
Comment: NM_012470.4(TNPO3):c.525C>G (p.Phe175Leu) is a missense variant that results in the substitution of phenylalanine with leucine. This variant is rare in population databases. Computational prediction algorithms are consistent with a benign effect. The currently available literature and clinical evidence are not sufficient to establish a definitive association between this variant and the reported condition. Therefore, this variant is classified as a variant of uncertain significance.

Ambry Genetics
Classification: Uncertain significance for Inborn genetic diseases. Last evaluated: 2025-12-15. Review status: criteria provided, single submitter. Criteria: Ambry Variant Classification Scheme 2023. Collection method: clinical testing. Allele origin: germline.

Labcorp Genetics (formerly Invitae), Labcorp
Classification: Uncertain significance for Autosomal dominant limb-girdle muscular dystrophy type 1F. Last evaluated: 2022-08-09. Review status: criteria provided, single submitter. Criteria: Invitae Variant Classification Sherloc (09022015). Collection method: clinical testing. Allele origin: germline.
Comment: In summary, the available evidence is currently insufficient to determine the role of this variant in disease. Therefore, it has been classified as a Variant of Uncertain Significance. Algorithms developed to predict the effect of missense changes on protein structure and function (SIFT, PolyPhen-2, Align-GVGD) all suggest that this variant is likely to be tolerated. ClinVar contains an entry for this variant (Variation ID: 1468240). This variant has not been reported in the literature in individuals affected with TNPO3-related conditions. This variant is present in population databases (no rsID available, gnomAD 0.01%). This sequence change replaces phenylalanine, which is neutral and non-polar, with leucine, which is neutral and non-polar, at codon 175 of the TNPO3 protein (p.Phe175Leu).

Revvity Omics, Revvity
Classification: Uncertain significance for Autosomal dominant limb-girdle muscular dystrophy type 1F. Last evaluated: 2020-10-28. Review status: criteria provided, single submitter. Criteria: ACMG Guidelines, 2015. Collection method: clinical testing. Allele origin: germline.